The following is an entry in ClinVar:

ClinVar aggregate classification (germline): Benign. Review status: criteria provided, multiple submitters, no conflicts (2 of 4 stars). 3 submissions from 3 submitters: Benign (3). Last evaluated 2026-01-19.

Conditions:
Dystonic disorder. Also called: Dystonia. Identifiers: MedGen C0013421, MONDO:0003441, HP:0001332.

Allele frequency attached by ClinVar (database versions not stated): TOPMed 0.52112; gnomAD 0.53060 and 0.55035; 1000 Genomes Project 30x 0.56949; 1000 Genomes Project 0.59026; gnomAD exomes 0.70584.

Submissions (3):

Labcorp Genetics (formerly Invitae), Labcorp
Classification: Benign for Dystonic disorder. Last evaluated: 2026-01-19. Review status: criteria provided, single submitter. Criteria: Invitae Variant Classification Sherloc (09022015). Collection method: clinical testing. Allele origin: germline.

GeneDx
Classification: Benign. Last evaluated: 2018-06-26. Review status: criteria provided, single submitter. Criteria: GeneDx Variant Classification Process June 2021. Collection method: clinical testing. Allele origin: germline. Affected: yes.
Comment: This variant is associated with the following publications: (PMID: 19415819)

Breakthrough Genomics
Classification: Benign. Review status: criteria provided, single submitter. Criteria: ACMG Guidelines, 2015. Collection method: not provided. Allele origin: germline. Inheritance: Autosomal recessive inheritance. Affected: yes.

NC_000002.12:g.72887223A>C

Gene: SPR (sepiapterin reductase; plus strand). Cytogenetic location: 2p13.2.
Variant type: single nucleotide variant.
Genome position: GRCh38 VCF-style: chr2-72887223-A-C. GRCh37 (hg19) VCF-style: chr2-73114352-A-C.
Identifiers: ClinVar variation 1167479 (VCV001167479.10), dbSNP rs1876487, ClinGen allele CA11118149.